The following is an entry in ClinVar:

NM_001367624.2(ZNF469):c.10990= (p.Ala3664=)

Gene: ZNF469 (zinc finger protein 469; plus strand). Cytogenetic location: 16q24.2.
Variant type: single nucleotide variant.
Coding change: c.10990= on transcript NM_001367624.2 (MANE Select); coding-DNA position 10990, no change from the reference sequence.
Protein change: p.Ala3664=; no amino-acid change (alanine 3664 retained).
Molecular consequence: no sequence alteration.
Genome position: GRCh38 VCF-style: chr16-88438460-G-G. GRCh37 (hg19) VCF-style: chr16-88504868-A-G.
Other names: NM_001127464.1:c.10906A>G.
Identifiers: ClinVar variation 195114 (VCV000195114.26), dbSNP rs904783.

ClinVar aggregate classification (germline): Benign/Likely benign. Review status: criteria provided, multiple submitters, no conflicts (2 of 4 stars). 9 submissions from 9 submitters: Benign (5); Likely benign (1). 3 of the submissions do not count toward it. Last evaluated 2026-02-04.

Conditions:
Cardiovascular phenotype. Identifiers: MedGen CN230736.

Allele frequency attached by ClinVar (database versions not stated): 1000 Genomes Project 30x 0.99906; gnomAD 0.99962; TOPMed 0.99963; gnomAD exomes 0.99994.

Submissions (9):

Labcorp Genetics (formerly Invitae), Labcorp
Classification: Benign. Last evaluated: 2026-02-04. Review status: criteria provided, single submitter. Criteria: Invitae Variant Classification Sherloc (09022015). Collection method: clinical testing. Allele origin: germline.

Blueprint Genetics
Classification: Likely benign. Last evaluated: 2024-11-27. Review status: criteria provided, single submitter. Criteria: ACMG Guidelines, 2015. Collection method: clinical testing. Allele origin: germline.

Ambry Genetics
Classification: Benign for Cardiovascular phenotype. Last evaluated: 2018-12-11. Review status: criteria provided, single submitter. Criteria: Ambry Variant Classification Scheme 2023. Collection method: clinical testing. Allele origin: germline.

GeneDx
Classification: Benign. Last evaluated: 2016-09-29. Review status: criteria provided, single submitter. Criteria: GeneDx Variant Classification (06012015). Collection method: clinical testing. Allele origin: germline. Affected: yes.
Comment: This variant is considered likely benign or benign based on one or more of the following criteria: it is a conservative change, it occurs at a poorly conserved position in the protein, it is predicted to be benign by multiple in silico algorithms, and/or has population frequency not consistent with disease.

Eurofins Ntd Llc (ga)
Classification: Benign. Last evaluated: 2015-05-22. Review status: criteria provided, single submitter. Criteria: EGL Classification Definitions 2015. Collection method: clinical testing. Allele origin: germline. Observed: 1 variant allele, 1 homozygote.

Breakthrough Genomics
Classification: Benign. Review status: criteria provided, single submitter. Criteria: ACMG Guidelines, 2015. Collection method: not provided. Allele origin: germline. Inheritance: Autosomal recessive inheritance. Affected: yes.

Diagnostic Laboratory, Department of Genetics, University Medical Center Groningen
Classification: Benign. Review status: no assertion criteria provided. Collection method: clinical testing. Allele origin: germline. Affected: yes. Study: VKGL Data-share Consensus. Not counted in ClinVar's aggregate classification.

Genome Diagnostics Laboratory, Amsterdam University Medical Center
Classification: Benign. Review status: no assertion criteria provided. Collection method: clinical testing. Allele origin: germline. Affected: yes. Study: VKGL Data-share Consensus. Not counted in ClinVar's aggregate classification.

Joint Genome Diagnostic Labs from Nijmegen and Maastricht, Radboudumc and MUMC+
Classification: Benign. Review status: no assertion criteria provided. Collection method: clinical testing. Allele origin: germline. Affected: yes. Study: VKGL Data-share Consensus. Not counted in ClinVar's aggregate classification.